The following is an entry in ClinVar:

NM_001386140.1(MTTP):c.1853_1861del (p.Thr618_Tyr620del)

Gene: MTTP (microsomal triglyceride transfer protein; plus strand). Cytogenetic location: 4q23.
Variant type: Deletion.
Coding change: c.1853_1861del on transcript NM_001386140.1 (MANE Select); coding-DNA positions 1853 to 1861, 9 bases deleted (CTGGCTACA; older notation c.1853_1861delCTGGCTACA).
Protein change: p.Thr618_Tyr620del.
Molecular consequence: inframe deletion.
Genome position (GRCh38, 1-based): chr4:99,611,226-99,611,234, CTGGCTACA deleted; deleting any 9 consecutive bases within chr4:99,611,221-99,611,234 gives the same sequence; the c. name uses the placement nearest the transcript's 3' end. VCF-style (leftmost placement, unchanged base first): chr4-99611220-CCTACACTGG-C. GRCh37 (hg19) VCF-style: chr4-100532377-CCTACACTGG-C.
Other names: c.1853_1861del, p.Thr618_Tyr620del (NM_000253.4); c.1604_1612del, p.Thr535_Tyr537del (NM_001300785.2).
Identifiers: ClinVar variation 5004571 (VCV005004571.1).

ClinVar aggregate classification (germline): Uncertain significance (1 of 4 stars; one submission).

Conditions:
Abetalipoproteinaemia (ABL). Also called: Abetalipoproteinemia; Abetalipoproteinemia neuropathy; Apolipoprotein B deficiency; Congenital betalipoprotein deficiency syndrome; MTP DEFICIENCY. Identifiers: Orphanet 14, MedGen C0000744, MONDO:0008692, OMIM 200100, HP:0008181.

Submission:

Myriad Genetics, Inc.
Classification: Uncertain significance for Abetalipoproteinaemia. Last evaluated: 2026-03-30. Review status: criteria provided, single submitter. Criteria: Myriad Autosomal Dominant, Autosomal Recessive and X-Linked Classification Criteria (2023). Collection method: clinical testing. Allele origin: unknown.
Comment: NM_000253.2(MTTP):c.1853_1861del9(T618_Y620del) is an in-frame deletion classified as a variant of uncertain significance in the context of abetalipoproteinemia. T618_Y620del has not been observed in cases with relevant disease. Relevant functional assessments of this variant are not available in the literature. T618_Y620del has not been observed in referenced population frequency databases. In summary, there is insufficient evidence to classify NM_000253.2(MTTP):c.1853_1861del9(T618_Y620del) as pathogenic or benign. Please note: this variant was assessed in the context of healthy population screening.